The following is an entry in ClinVar:

ClinVar aggregate classification (germline): Uncertain significance (1 of 4 stars; one submission).

Conditions:
Cardiovascular phenotype. Identifiers: MedGen CN230736.

Allele frequency attached by ClinVar (database versions not stated): gnomAD 0.00001; TOPMed 0.00001.
gnomAD v4.1: 3 of 1,549,244 alleles (0.00019%); highest among the groups gnomAD compares: Non-Finnish European, 0.00017%; no homozygotes.

Submission:

Ambry Genetics
Classification: Uncertain significance for Cardiovascular phenotype. Last evaluated: 2022-02-11. Review status: criteria provided, single submitter. Criteria: Ambry Variant Classification Scheme 2023. Collection method: clinical testing. Allele origin: germline.
Comment: The p.G3225R variant (also known as c.9673G>A), located in coding exon 2 of the ZNF469 gene, results from a G to A substitution at nucleotide position 9673. The glycine at codon 3225 is replaced by arginine, an amino acid with dissimilar properties. This amino acid position is conserved. In addition, this alteration is predicted to be tolerated by in silico analysis. Since supporting evidence is limited at this time, the clinical significance of this alteration remains unclear.

NM_001367624.2(ZNF469):c.9757G>A (p.Gly3253Arg)

Gene: ZNF469 (zinc finger protein 469; plus strand). Cytogenetic location: 16q24.2.
Variant type: single nucleotide variant.
Coding change: c.9757G>A on transcript NM_001367624.2 (MANE Select); coding-DNA position 9757, G replaced by A.
Protein change: p.Gly3253Arg; replaces glycine 3253 with arginine.
Molecular consequence: missense variant.
Genome position (GRCh38, 1-based): chr16:88,437,227, G>A. VCF-style: chr16-88437227-G-A. GRCh37 (hg19) VCF-style: chr16-88503635-G-A.
Other names: NM_001127464.1:c.9673G>A; short protein forms G3253R.
Identifiers: ClinVar variation 1767747 (VCV001767747.2), dbSNP rs1434362867, ClinGen allele CA397124645.